The following is an entry in ClinVar:

ClinVar aggregate classification (germline): Uncertain significance. Review status: criteria provided, multiple submitters, no conflicts (2 of 4 stars). 5 submissions from 5 submitters: Uncertain significance (4). 1 of the submissions does not count toward it. Last evaluated 2026-04-09.

Conditions:
PRKAR1A-related disorder. Also called: PRKAR1A-related condition.
Hereditary cancer-predisposing syndrome. Also called: Hereditary Cancer Syndrome; Tumor predisposition; Hereditary neoplastic syndrome; Neoplastic Syndromes, Hereditary. Identifiers: Orphanet 140162, MedGen C0027672, MeSH D009386, MONDO:0015356.
Carney complex, type 1 (CNC1). Also called: CARNEY MYXOMA-ENDOCRINE COMPLEX; CARNEY COMPLEX, TYPE I. Identifiers: Orphanet 1359, MedGen C2607929, MONDO:0008057, OMIM 160980.
Medulloblastoma (MDB). Also called: MEDULLOBLASTOMA PREDISPOSITION SYNDROME; Medulloblastoma, somatic. Identifiers: Orphanet 616, MedGen C0025149, MeSH D008527, MONDO:0007959, OMIM 155255, HP:0002885.

Allele frequency attached by ClinVar (database versions not stated): gnomAD exomes 0.00001; gnomAD 0.00002; TOPMed 0.00002.
gnomAD v4.1: 7 of 1,613,666 alleles (0.00043%); highest among the groups gnomAD compares: African/African-American, 0.004%; no homozygotes.

Submissions (5):

PreventionGenetics, part of Exact Sciences
Classification: Uncertain significance for PRKAR1A-related condition. Last evaluated: 2026-04-09. Review status: criteria provided, single submitter. Criteria: ACMG Guidelines, 2015. Collection method: clinical testing. Allele origin: germline.
Comment: The PRKAR1A c.329C>T variant is predicted to result in the amino acid substitution p.Ala110Val. To our knowledge, this variant has not been reported in the literature. This variant is reported in 0.011% of alleles in individuals of African descent in gnomAD and is interpreted as having uncertain clinical significance in ClinVar (Variation ID: 438784). At this time, the clinical significance of this variant is uncertain due to the absence of conclusive functional and genetic evidence.

Labcorp Genetics (formerly Invitae), Labcorp
Classification: Uncertain significance for Carney complex, type 1. Last evaluated: 2024-12-17. Review status: criteria provided, single submitter. Criteria: Invitae Variant Classification Sherloc (09022015). Collection method: clinical testing. Allele origin: germline.
Comment: This sequence change replaces alanine, which is neutral and non-polar, with valine, which is neutral and non-polar, at codon 110 of the PRKAR1A protein (p.Ala110Val). This variant is present in population databases (no rsID available, gnomAD 0.01%). This variant has not been reported in the literature in individuals affected with PRKAR1A-related conditions. ClinVar contains an entry for this variant (Variation ID: 438784). Invitae Evidence Modeling of protein sequence and biophysical properties (such as structural, functional, and spatial information, amino acid conservation, physicochemical variation, residue mobility, and thermodynamic stability) indicates that this missense variant is not expected to disrupt PRKAR1A protein function with a negative predictive value of 95%. In summary, the available evidence is currently insufficient to determine the role of this variant in disease. Therefore, it has been classified as a Variant of Uncertain Significance.

Ambry Genetics
Classification: Uncertain significance for Hereditary cancer-predisposing syndrome. Last evaluated: 2024-05-02. Review status: criteria provided, single submitter. Criteria: Ambry Variant Classification Scheme 2023. Collection method: clinical testing. Allele origin: germline.
Comment: The p.A110V variant (also known as c.329C>T), located in coding exon 2 of the PRKAR1A gene, results from a C to T substitution at nucleotide position 329. The alanine at codon 110 is replaced by valine, an amino acid with similar properties. This amino acid position is highly conserved in available vertebrate species. In addition, this alteration is predicted to be deleterious by in silico analysis. Since supporting evidence is limited at this time, the clinical significance of this alteration remains unclear.

Women's Health and Genetics/Laboratory Corporation of America, LabCorp
Classification: Uncertain significance. Last evaluated: 2023-10-30. Review status: criteria provided, single submitter. Criteria: LabCorp Variant Classification Summary - May 2015. Collection method: clinical testing. Allele origin: germline.
Comment: Variant summary: PRKAR1A c.329C>T (p.Ala110Val) results in a non-conservative amino acid change in the encoded protein sequence. Three of five in-silico tools predict a benign effect of the variant on protein function. The variant was absent in 249692 control chromosomes. The available data on variant occurrences in the general population are insufficient to allow any conclusion about variant significance. To our knowledge, no occurrence of c.329C>T in individuals affected with Carney Complex and no experimental evidence demonstrating its impact on protein function have been reported. Two submitters have cited clinical-significance assessments for this variant to ClinVar after 2014. All submitters classified the variant as uncertain significance. Based on the evidence outlined above, the variant was classified as uncertain significance.

Donald Williams Parsons Laboratory, Baylor College of Medicine
Classification: other for MEDULLOBLASTOMA. Last evaluated: 2016-05-01. Review status: no assertion criteria provided. Collection method: clinical testing. Allele origin: somatic. Inheritance: Somatic mutation. Affected: yes. Study: CSER-BASIC3. Not counted in ClinVar's aggregate classification.

Literature cited by the submitters: PubMed 26822237 (cited by Ambry Genetics and Donald Williams Parsons Laboratory, Baylor College of Medicine).

NM_002734.5(PRKAR1A):c.329C>T (p.Ala110Val)

Gene: PRKAR1A (protein kinase cAMP-dependent type I regulatory subunit alpha; plus strand). Cytogenetic location: 17q24.2.
Variant type: single nucleotide variant.
Coding change: c.329C>T on transcript NM_002734.5 (MANE Select); coding-DNA position 329, C replaced by T.
Protein change: p.Ala110Val; replaces alanine 110 with valine.
Molecular consequence: missense variant.
Genome position (GRCh38, 1-based): chr17:68,522,907, C>T. VCF-style: chr17-68522907-C-T. GRCh37 (hg19) VCF-style: chr17-66519048-C-T.
Other names: c.329C>T, p.Ala110Val (NM_001276289.2, NM_001276290.1, NM_001278433.2 and 4 more transcripts); short protein forms A110V.
Identifiers: ClinVar variation 438784 (VCV000438784.17), dbSNP rs1194755479, ClinGen allele CA400752486.